The following is an entry in ClinVar:

NM_001267550.2(TTN):c.28185C>G (p.Asn9395Lys)

Gene: TTN (titin; minus strand). Cytogenetic location: 2q31.2.
Variant type: single nucleotide variant.
Coding change: c.28185C>G on transcript NM_001267550.2 (MANE Select); coding-DNA position 28185, C replaced by G.
Protein change: p.Asn9395Lys; replaces asparagine 9395 with lysine.
Molecular consequence: missense variant. On other transcripts: intron variant (3).
Genome position (GRCh38, 1-based): chr2:178,710,912, G>C on the plus strand (C>G on the coding strand, the complement: TTN is on the minus strand). VCF-style: chr2-178710912-G-C. GRCh37 (hg19) VCF-style: chr2-179575639-G-C.
Other names: c.28185C>G (NM_001267550.1); c.27234C>G, p.Asn9078Lys (NM_001256850.1); c.24453C>G, p.Asn8151Lys (NM_133378.4); c.13282+27170C>G (NM_003319.4); c.13858+27170C>G (NM_133437.4); c.13657+27170C>G (NM_133432.3); short protein forms N9395K, N8151K, N9078K.
Identifiers: ClinVar variation 893049 (VCV000893049.30), dbSNP rs778573156, ClinGen allele CA1999637.

ClinVar aggregate classification (germline): Conflicting classifications of pathogenicity. Review status: criteria provided, conflicting classifications (1 of 4 stars). 9 submissions from 5 submitters: Uncertain significance (7); Likely benign (2). Last evaluated 2025-09-03.

Conditions:
Tibial muscular dystrophy (TMD). Also called: Udd Distal Myopathy – Tibial Muscular Dystrophy; UDD MYOPATHY; Tibial muscular dystrophy, tardive. Identifiers: Orphanet 609, MedGen C1838244, MONDO:0010870, OMIM 600334.
Early-onset myopathy with fatal cardiomyopathy (CMYO5). Also called: CONGENITAL MYOPATHY 5 WITH CARDIOMYOPATHY; Salih Myopathy. Identifiers: Orphanet 289377, MedGen C2673677, MONDO:0012714, OMIM 611705. Disease mechanism: loss of function.
Dilated cardiomyopathy 1G (CMD1G). Identifiers: Orphanet 154, MedGen C1858763, MONDO:0011400, OMIM 604145.
TTN-related disorder. Also called: TTN-related disorders; TTN-related condition; TTN-related disease.
Myopathy, myofibrillar, 9, with early respiratory failure (MFM9). Also called: MYOPATHY, PROXIMAL, WITH EARLY RESPIRATORY MUSCLE INVOLVEMENT; Hereditary myopathy with early respiratory failure; Myopathy, distal, with early respiratory failure, autosomal dominant; EDSTROM MYOPATHY. Identifiers: Orphanet 178464, Orphanet 34521, MedGen C1863599, MONDO:0011362, OMIM 603689.
Autosomal recessive limb-girdle muscular dystrophy type 2J (LGMDR10). Also called: Limb-girdle muscular dystrophy, type 2J; MUSCULAR DYSTROPHY, LIMB-GIRDLE, AUTOSOMAL RECESSIVE 10. Identifiers: Orphanet 140922, MedGen C1837342, MONDO:0012127, OMIM 608807.

Allele frequency attached by ClinVar (database versions not stated): TOPMed 0.00001; gnomAD exomes 0.00002; ExAC 0.00003.
gnomAD v4.1: 27 of 1,612,800 alleles (0.0017%); highest among the groups gnomAD compares: African/African-American, 0.0053%; no homozygotes.

Submissions (9):

PreventionGenetics, part of Exact Sciences
Classification: Uncertain significance for TTN-related condition. Last evaluated: 2025-09-03. Review status: criteria provided, single submitter. Criteria: ACMG Guidelines, 2015. Collection method: clinical testing. Allele origin: germline.
Comment: The TTN c.28185C>G variant is predicted to result in the amino acid substitution p.Asn9395Lys. To our knowledge, this variant has not been reported in the literature. This variant is reported in 0.0083% of alleles in individuals of African descent in gnomAD. At this time, the clinical significance of this variant is uncertain due to the absence of conclusive functional and genetic evidence.

Revvity Omics, Revvity
Classification: Uncertain significance. Last evaluated: 2025-05-16. Review status: criteria provided, single submitter. Criteria: ACMG Guidelines, 2015. Collection method: clinical testing. Allele origin: germline.

GeneDx
Classification: Uncertain significance. Last evaluated: 2024-04-05. Review status: criteria provided, single submitter. Criteria: GeneDx Variant Classification Process June 2021. Collection method: clinical testing. Allele origin: germline. Affected: yes.
Comment: Not observed at significant frequency in large population cohorts (gnomAD); Missense variant in a gene in which most reported pathogenic variants are truncating/loss of function; Has not been previously published as pathogenic or benign to our knowledge

CeGaT Center for Human Genetics Tuebingen
Classification: Uncertain significance. Last evaluated: 2024-02-01. Review status: criteria provided, single submitter. Criteria: CeGaT Center For Human Genetics Tuebingen Variant Classification Criteria Version 2. Collection method: clinical testing. Allele origin: germline. Affected: yes. Observed: 1 variant allele.
Comment: TTN: PM2

Illumina Laboratory Services, Illumina
Classification: Likely benign for Myopathy, myofibrillar, 9, with early respiratory failure. Last evaluated: 2018-01-13. Review status: criteria provided, single submitter. Criteria: ICSL Variant Classification Criteria 13 December 2019. Collection method: clinical testing. Allele origin: germline.
Comment: This variant was observed in the ICSL laboratory as part of a predisposition screen in an ostensibly healthy population. It had not been previously curated by ICSL or reported in the Human Gene Mutation Database (HGMD: prior to June 1st, 2018), and was therefore a candidate for classification through an automated scoring system. Utilizing variant allele frequency, disease prevalence and penetrance estimates, and inheritance mode, an automated score was calculated to assess if this variant is too frequent to cause the disease. Based on the score and internal cut-off values, a variant classified as likely benign is not then subjected to further curation. The score for this variant resulted in a classification of likely benign for this disease.

Illumina Laboratory Services, Illumina
Classification: Uncertain significance for Dilated cardiomyopathy 1G. Last evaluated: 2018-01-13. Review status: criteria provided, single submitter. Criteria: ICSL Variant Classification Criteria 13 December 2019. Collection method: clinical testing. Allele origin: germline.

Illumina Laboratory Services, Illumina
Classification: Uncertain significance for Early-onset myopathy with fatal cardiomyopathy. Last evaluated: 2018-01-13. Review status: criteria provided, single submitter. Criteria: ICSL Variant Classification Criteria 13 December 2019. Collection method: clinical testing. Allele origin: germline.

Illumina Laboratory Services, Illumina
Classification: Uncertain significance for Autosomal recessive limb-girdle muscular dystrophy type 2J. Last evaluated: 2018-01-13. Review status: criteria provided, single submitter. Criteria: ICSL Variant Classification Criteria 13 December 2019. Collection method: clinical testing. Allele origin: germline.

Illumina Laboratory Services, Illumina
Classification: Likely benign for Tibial muscular dystrophy. Last evaluated: 2018-01-13. Review status: criteria provided, single submitter. Criteria: ICSL Variant Classification Criteria 13 December 2019. Collection method: clinical testing. Allele origin: germline.
Comment: the same text as in the submission from Illumina Laboratory Services, Illumina above.